The following is an entry in ClinVar:

NM_000091.5(COL4A3):c.1972C>T (p.Pro658Ser)

Genes: COL4A3 (collagen type IV alpha 3 chain; plus strand), MFF-DT (MFF divergent transcript; minus strand). Cytogenetic location: 2q36.3.
Variant type: single nucleotide variant.
Coding change: c.1972C>T on transcript NM_000091.5 (MANE Select); coding-DNA position 1972, C replaced by T.
Protein change: p.Pro658Ser; replaces proline 658 with serine.
Molecular consequence: missense variant.
Genome position (GRCh38, 1-based): chr2:227,276,429, C>T. VCF-style: chr2-227276429-C-T. GRCh37 (hg19) VCF-style: chr2-228141145-C-T.
Other names: short protein forms P658S.
Identifiers: ClinVar variation 1052087 (VCV001052087.6), dbSNP rs749751219, ClinGen allele CA350846287.

ClinVar aggregate classification (germline): Uncertain significance (1 of 4 stars; one submission).

Submission:

Labcorp Genetics (formerly Invitae), Labcorp
Classification: Uncertain significance. Last evaluated: 2021-08-28. Review status: criteria provided, single submitter. Criteria: Invitae Variant Classification Sherloc (09022015). Collection method: clinical testing. Allele origin: germline.
Comment: This sequence change replaces proline with serine at codon 658 of the COL4A3 protein (p.Pro658Ser). The proline residue is moderately conserved and there is a moderate physicochemical difference between proline and serine. This variant is not present in population databases (ExAC no frequency). This variant has not been reported in the literature in individuals affected with COL4A3-related conditions. Algorithms developed to predict the effect of missense changes on protein structure and function are either unavailable or do not agree on the potential impact of this missense change (SIFT: "Tolerated"; PolyPhen-2: "Not Available"; Align-GVGD: "Class C0"). In summary, the available evidence is currently insufficient to determine the role of this variant in disease. Therefore, it has been classified as a Variant of Uncertain Significance.